The following is an entry in ClinVar:

ClinVar aggregate classification (germline): Likely pathogenic (0 of 4 stars; one submission).

Conditions:
Cohen syndrome (COH1). Also called: PEPPER SYNDROME; Cutis verticis gyrata, retinitis pigmentosa, and sensorineural deafness. Identifiers: Orphanet 193, MedGen C0265223, MONDO:0008999, OMIM 216550.

Submission:

Juha Muilu Group; Institute for Molecular Medicine Finland (FIMM)
Classification: Likely pathogenic for Cohen syndrome. Review status: no assertion criteria provided. Collection method: not provided. Allele origin: unknown.
Comment: FinDis database variant: This variant was not found or characterized by our laboratory, data were collected from public sources: see reference
ClinVar note: Converted during submission from probable-pathogenic to Likely pathogenic.

NM_152564.5(VPS13B):c.626_627del (p.Thr209fs)

Gene: VPS13B (vacuolar protein sorting 13 homolog B; plus strand). Cytogenetic location: 8q22.2.
Variant type: Deletion.
Coding change: c.626_627del on transcript NM_152564.5 (MANE Select); coding-DNA positions 626 to 627, 2 bases deleted (CA; older notation c.626_627delCA).
Protein change: p.Thr209fs; shifts the reading frame from threonine 209.
Molecular consequence: frameshift variant. On other transcripts: non-coding transcript variant (1).
Genome position (GRCh38, 1-based): chr8:99,111,143-99,111,144, CA deleted; deleting any 2 consecutive bases within chr8:99,111,142-99,111,144 gives the same sequence; the c. name uses the placement nearest the transcript's 3' end. VCF-style (leftmost placement, unchanged base first): chr8-99111141-TAC-T. GRCh37 (hg19) VCF-style: chr8-100123369-TAC-T.
Other names: c.626_627delCA (NM_017890.4); c.626_627del, p.Thr209fs (NM_015243.3, NM_017890.5, NM_181661.3); short protein forms T209fs.
Identifiers: ClinVar variation 56680 (VCV000056680.2), dbSNP rs386834100, ClinGen allele CA264110.